The following is an entry in ClinVar:

NM_153682.3(PIGP):c.233T>C (p.Met78Thr)

Gene: PIGP (phosphatidylinositol glycan anchor biosynthesis class P; minus strand). Cytogenetic location: 21q22.13.
Variant type: single nucleotide variant.
Coding change: c.233T>C on transcript NM_153682.3 (MANE Select); coding-DNA position 233, T replaced by C.
Protein change: p.Met78Thr; replaces methionine 78 with threonine.
Molecular consequence: missense variant.
Genome position (GRCh38, 1-based): chr21:37,067,303, A>G on the plus strand (T>C on the coding strand, the complement: PIGP is on the minus strand). VCF-style: chr21-37067303-A-G. GRCh37 (hg19) VCF-style: chr21-38439603-A-G.
Other names: c.233T>C, p.Met78Thr (NM_001320480.2); c.155T>C, p.Met52Thr (NM_016430.4); c.305T>C, p.Met102Thr (NM_153681.2); short protein forms M52T, M102T, M78T.
Identifiers: ClinVar variation 2040890 (VCV002040890.3), dbSNP rs771054954, ClinGen allele CA10021070.
Genomic context (GRCh38, chr21:37,067,303, plus strand): 5'-TCCTTTTATATAAAGTTACCTGTGATTGTATGGATGGAGTCGAGTGGAGAGGTACTCATC[A>G]TGTTAATCCCAAACAAGAGCACGTAGCCAATTACTATAGCAATAAGGAGGTAGACAGGTA-3'
Protein context (NP_710149.1, residues 68-88): IGYVLLFGIN[Met78Thr]MSTSPLDSIH

ClinVar aggregate classification (germline): Uncertain significance (1 of 4 stars; one submission).

Allele frequency attached by ClinVar (database versions not stated): gnomAD exomes below 0.00001; TOPMed below 0.00001; ExAC 0.00002.
gnomAD v4.1: 5 of 1,610,746 alleles (0.00031%); highest among the groups gnomAD compares: Admixed American, 0.005%; no homozygotes.

Submission:

Labcorp Genetics (formerly Invitae), Labcorp
Classification: Uncertain significance. Last evaluated: 2022-11-15. Review status: criteria provided, single submitter. Criteria: Invitae Variant Classification Sherloc (09022015). Collection method: clinical testing. Allele origin: germline.
Comment: In summary, the available evidence is currently insufficient to determine the role of this variant in disease. Therefore, it has been classified as a Variant of Uncertain Significance. Algorithms developed to predict the effect of missense changes on protein structure and function are either unavailable or do not agree on the potential impact of this missense change (SIFT: "Deleterious"; PolyPhen-2: "Benign"; Align-GVGD: "Class C45"). This variant has not been reported in the literature in individuals affected with PIGP-related conditions. This variant is present in population databases (rs771054954, gnomAD 0.009%). This sequence change replaces methionine, which is neutral and non-polar, with threonine, which is neutral and polar, at codon 102 of the PIGP protein (p.Met102Thr).